The following is an entry in ClinVar:

ClinVar aggregate classification (germline): Pathogenic (1 of 4 stars; one submission).

Submission:

GeneDx
Classification: Pathogenic. Last evaluated: 2025-03-28. Review status: criteria provided, single submitter. Criteria: GeneDx Variant Classification Process June 2021. Collection method: clinical testing. Allele origin: germline. Affected: yes.
Comment: Nonsense variant predicted to result in protein truncation or nonsense mediated decay in a gene for which loss of function is a known mechanism of disease; Not observed at significant frequency in large population cohorts (gnomAD); This variant is associated with the following publications: (PMID: 25525159, 35314260, 10213643, 31514750, 24658975)

NM_000297.4(PKD2):c.1158T>A (p.Tyr386Ter)

Gene: PKD2 (polycystin 2, transient receptor potential cation channel; plus strand). Cytogenetic location: 4q22.1.
Variant type: single nucleotide variant.
Coding change: c.1158T>A on transcript NM_000297.4 (MANE Select); coding-DNA position 1158, T replaced by A.
Protein change: p.Tyr386Ter; replaces tyrosine 386 with a stop codon.
Molecular consequence: nonsense. On other transcripts: non-coding transcript variant (1), intron variant (1).
Genome position (GRCh38, 1-based): chr4:88,043,296, T>A. VCF-style: chr4-88043296-T-A. GRCh37 (hg19) VCF-style: chr4-88964448-T-A.
Other names: c.1095-3346T>A (NM_001440544.1); short protein forms Y386*.
Identifiers: ClinVar variation 4088114 (VCV004088114.1).